The following is an entry in ClinVar:

NM_001297.5(CNGB1):c.2217+9C>T

Gene: CNGB1 (cyclic nucleotide gated channel subunit beta 1; minus strand). Cytogenetic location: 16q21.
Variant type: single nucleotide variant.
Coding change: c.2217+9C>T on transcript NM_001297.5 (MANE Select); 9 bases into the intron after coding-DNA position 2217, C replaced by T.
Molecular consequence: intron variant.
Genome position (GRCh38, 1-based): chr16:57,916,120, G>A on the plus strand (C>T on the coding strand, the complement: CNGB1 is on the minus strand). VCF-style: chr16-57916120-G-A. GRCh37 (hg19) VCF-style: chr16-57950024-G-A.
Other names: c.2199+9C>T (NM_001286130.2); c.2217+9C>T (NM_001297.4).
Identifiers: ClinVar variation 1168595 (VCV001168595.11), dbSNP rs368099688, ClinGen allele CA8083115.

ClinVar aggregate classification (germline): Benign/Likely benign. Review status: criteria provided, multiple submitters, no conflicts (2 of 4 stars). 3 submissions from 3 submitters: Benign (1); Likely benign (1). 1 of the submissions does not count toward it. Last evaluated 2026-01-16.

Conditions:
CNGB1-related disorder. Also called: CNGB1-related condition.

Allele frequency attached by ClinVar (database versions not stated): ESP Exome Variant Server 0.00008; 1000 Genomes Project 30x 0.00094; 1000 Genomes Project 0.00120.

Submissions (3):

Labcorp Genetics (formerly Invitae), Labcorp
Classification: Benign. Last evaluated: 2026-01-16. Review status: criteria provided, single submitter. Criteria: Invitae Variant Classification Sherloc (09022015). Collection method: clinical testing. Allele origin: germline.

Blueprint Genetics
Classification: Likely benign. Last evaluated: 2024-09-30. Review status: criteria provided, single submitter. Criteria: ACMG Guidelines, 2015. Collection method: clinical testing. Allele origin: germline.

PreventionGenetics, part of Exact Sciences
Classification: Likely benign for CNGB1-related condition. Last evaluated: 2024-08-14. Review status: no assertion criteria provided. Collection method: clinical testing. Allele origin: germline. Not counted in ClinVar's aggregate classification.
Comment: This variant is classified as likely benign based on ACMG/AMP sequence variant interpretation guidelines (Richards et al. 2015 PMID: 25741868, with internal and published modifications).